The following is an entry in ClinVar:

NM_173648.4(CCDC141):c.1788T>G (p.Asp596Glu)

Gene: CCDC141 (coiled-coil domain containing 141; minus strand). Cytogenetic location: 2q31.2.
Variant type: single nucleotide variant.
Coding change: c.1788T>G on transcript NM_173648.4 (MANE Select); coding-DNA position 1788, T replaced by G.
Protein change: p.Asp596Glu; replaces aspartic acid 596 with glutamic acid.
Molecular consequence: missense variant.
Genome position (GRCh38, 1-based): chr2:178,878,075, A>C on the plus strand (T>G on the coding strand, the complement: CCDC141 is on the minus strand). VCF-style: chr2-178878075-A-C. GRCh37 (hg19) VCF-style: chr2-179742802-A-C.
Other names: c.1788T>G, p.Asp596Glu (NM_001316745.2); short protein forms D596E.
Identifiers: ClinVar variation 3673434 (VCV003673434.2).

ClinVar aggregate classification (germline): Uncertain significance (1 of 4 stars; one submission).

gnomAD v4.1: 3 of 1,613,796 alleles (0.00019%); highest among the groups gnomAD compares: Non-Finnish European, 0.00025%; no homozygotes.

Submission:

Labcorp Genetics (formerly Invitae), Labcorp
Classification: Uncertain significance. Last evaluated: 2025-01-13. Review status: criteria provided, single submitter. Criteria: Invitae Variant Classification Sherloc (09022015). Collection method: clinical testing. Allele origin: germline.
Comment: This sequence change replaces aspartic acid, which is acidic and polar, with glutamic acid, which is acidic and polar, at codon 596 of the CCDC141 protein (p.Asp596Glu). This variant is present in population databases (rs754874495, gnomAD 0.003%). This variant has not been reported in the literature in individuals affected with CCDC141-related conditions. An algorithm developed to predict the effect of missense changes on protein structure and function outputs the following: PolyPhen-2: "Benign". The glutamic acid amino acid residue is found in multiple mammalian species, which suggests that this missense change does not adversely affect protein function. In summary, the available evidence is currently insufficient to determine the role of this variant in disease. Therefore, it has been classified as a Variant of Uncertain Significance.